The following is an entry in ClinVar:

ClinVar aggregate classification (germline): Benign/Likely benign. Review status: criteria provided, multiple submitters, no conflicts (2 of 4 stars). 8 submissions from 8 submitters: Benign (3); Likely benign (2). 3 of the submissions do not count toward it. Last evaluated 2026-02-03.

Conditions:
Norman-Roberts syndrome (LIS2). Also called: Lissencephaly 2 (Norman-Roberts type). Identifiers: Orphanet 89844, MedGen C0796089, MONDO:0009760, OMIM 257320.
Familial temporal lobe epilepsy 7. Identifiers: Orphanet 101046, MedGen C4225327, MONDO:0014639, OMIM 616436.

Allele frequency attached by ClinVar (database versions not stated): gnomAD exomes 0.00112 and 0.00312; ExAC 0.00388; 1000 Genomes Project 0.00919; 1000 Genomes Project 30x 0.00968; gnomAD 0.01146 and 0.01237; TOPMed 0.01321; ESP Exome Variant Server 0.01407.
gnomAD v4.1: 3,445 of 1,614,042 alleles (0.21%); highest among the groups gnomAD compares: African/African-American, 3.9%; 64 homozygotes.

Submissions (8):

Labcorp Genetics (formerly Invitae), Labcorp
Classification: Benign for Familial temporal lobe epilepsy 7; Norman-Roberts syndrome. Last evaluated: 2026-02-03. Review status: criteria provided, single submitter. Criteria: Invitae Variant Classification Sherloc (09022015). Collection method: clinical testing. Allele origin: germline.

Athena Diagnostics
Classification: Benign. Last evaluated: 2025-05-09. Review status: criteria provided, single submitter. Criteria: Athena Diagnostics Criteria. Collection method: clinical testing. Allele origin: unknown.
Comment: The frequency of this variant in the general population is higher than would generally be expected for pathogenic variants in this gene.

Illumina Laboratory Services, Illumina
Classification: Likely benign for Norman-Roberts syndrome. Last evaluated: 2017-04-27. Review status: criteria provided, single submitter. Criteria: ICSL Variant Classification Criteria 13 December 2019. Collection method: clinical testing. Allele origin: germline.
Comment: This variant was observed as part of a predisposition screen in an ostensibly healthy population. A literature search was performed for the gene, cDNA change, and amino acid change (where applicable). No publications were found based on this search. Allele frequency data from public databases allowed determination this variant is unlikely to cause disease. Therefore, this variant is classified as likely benign.

GeneDx
Classification: Benign. Last evaluated: 2015-03-03. Review status: criteria provided, single submitter. Criteria: GeneDx Variant Classification Process June 2021. Collection method: clinical testing. Allele origin: germline. Affected: yes.

Breakthrough Genomics
Classification: Likely benign. Review status: criteria provided, single submitter. Criteria: ACMG Guidelines, 2015. Collection method: not provided. Allele origin: germline. Inheritance: Autosomal recessive inheritance. Affected: yes.

Clinical Genetics DNA and cytogenetics Diagnostics Lab, Erasmus MC, Erasmus Medical Center
Classification: Benign. Review status: no assertion criteria provided. Collection method: clinical testing. Allele origin: germline. Affected: yes. Study: VKGL Data-share Consensus. Not counted in ClinVar's aggregate classification.

Clinical Genetics, Academic Medical Center
Classification: Benign. Review status: no assertion criteria provided. Collection method: clinical testing. Allele origin: germline. Affected: yes. Study: VKGL Data-share Consensus. Not counted in ClinVar's aggregate classification.

Genetic Services Laboratory, University of Chicago
Classification: Likely benign for AllHighlyPenetrant. Review status: no assertion criteria provided. Collection method: clinical testing. Allele origin: germline. Inheritance: Autosomal recessive inheritance. Not counted in ClinVar's aggregate classification.
Comment: Likely benign based on allele frequency in 1000 Genomes Project or ESP global frequency and its presence in a patient with a rare or unrelated disease phenotype. NOT Sanger confirmed.

NM_005045.4(RELN):c.6671+8T>C

Gene: RELN (reelin; minus strand). Cytogenetic location: 7q22.1.
Variant type: single nucleotide variant.
Coding change: c.6671+8T>C on transcript NM_005045.4 (MANE Select); 8 bases into the intron after coding-DNA position 6671, T replaced by C.
Molecular consequence: intron variant.
Genome position (GRCh38, 1-based): chr7:103,542,723, A>G on the plus strand (T>C on the coding strand, the complement: RELN is on the minus strand). VCF-style: chr7-103542723-A-G. GRCh37 (hg19) VCF-style: chr7-103183170-A-G.
Other names: c.6671+8T>C (NM_173054.3).
Identifiers: ClinVar variation 130134 (VCV000130134.26), dbSNP rs362758, ClinGen allele CA154930.